The following is an entry in ClinVar:

NM_001044.5(SLC6A3):c.1350C>A (p.Leu450=)

Gene: SLC6A3 (solute carrier family 6 member 3). Cytogenetic location: 5p15.33.
Variant type: single nucleotide variant.
Coding change: c.1350C>A on transcript NM_001044.5 (MANE Select); coding-DNA position 1350, C replaced by A.
Protein change: p.Leu450=; no amino-acid change (leucine 450 retained).
Molecular consequence: synonymous variant.
Genome position (GRCh38, 1-based): chr5:1,409,769, G>T on the plus strand (C>A on the coding strand, the complement: SLC6A3 is on the minus strand). VCF-style: chr5-1409769-G-T. GRCh37 (hg19) VCF-style: chr5-1409884-G-T.
Identifiers: ClinVar variation 4534411 (VCV004534411.6).

ClinVar aggregate classification (germline): Likely benign (1 of 4 stars; one submission).

gnomAD v4.1: 6 of 1,613,462 alleles (0.00037%); highest among the groups gnomAD compares: South Asian, 0.0055%; no homozygotes.

Submission:

CeGaT Center for Human Genetics Tuebingen
Classification: Likely benign. Last evaluated: 2025-11-01. Review status: criteria provided, single submitter. Criteria: CeGaT Center For Human Genetics Tuebingen Variant Classification Criteria Version 2. Collection method: clinical testing. Allele origin: germline. Affected: yes. Observed: 1 variant allele.
Comment: SLC6A3: BP4, BP7